The following is an entry in ClinVar:

ClinVar aggregate classification (germline): Uncertain significance (1 of 4 stars; one submission).

Conditions:
Cardiovascular phenotype. Identifiers: MedGen CN230736.

Allele frequency attached by ClinVar (database versions not stated): gnomAD exomes below 0.00001; ExAC 0.00001; gnomAD 0.00002; TOPMed 0.00004.
gnomAD v4.1: 6 of 1,613,994 alleles (0.00037%); highest among the groups gnomAD compares: African/African-American, 0.0053%; no homozygotes.

Submission:

Ambry Genetics
Classification: Uncertain significance for Cardiovascular phenotype. Last evaluated: 2025-02-22. Review status: criteria provided, single submitter. Criteria: Ambry Variant Classification Scheme 2023. Collection method: clinical testing. Allele origin: germline.
Comment: The p.L347P variant (also known as c.1040T>C), located in coding exon 9 of the APOB gene, results from a T to C substitution at nucleotide position 1040. The leucine at codon 347 is replaced by proline, an amino acid with similar properties. This amino acid position is conserved. In addition, the in silico prediction for this alteration is inconclusive. Since supporting evidence is limited at this time, the clinical significance of this alteration remains unclear.

NM_000384.3(APOB):c.1040T>C (p.Leu347Pro)

Gene: APOB (apolipoprotein B; minus strand). Cytogenetic location: 2p24.1.
Variant type: single nucleotide variant.
Coding change: c.1040T>C on transcript NM_000384.3 (MANE Select); coding-DNA position 1040, T replaced by C.
Protein change: p.Leu347Pro; replaces leucine 347 with proline.
Molecular consequence: missense variant.
Genome position (GRCh38, 1-based): chr2:21,033,383, A>G on the plus strand (T>C on the coding strand, the complement: APOB is on the minus strand). VCF-style: chr2-21033383-A-G. GRCh37 (hg19) VCF-style: chr2-21256255-A-G.
Other names: short protein forms L347P.
Identifiers: ClinVar variation 1774047 (VCV001774047.3), dbSNP rs747298204, ClinGen allele CA043457.